The following is an entry in ClinVar:

ClinVar aggregate classification (germline): Pathogenic. Review status: reviewed by expert panel (3 of 4 stars). 5 submissions from 5 submitters: Pathogenic (1). 4 of the submissions do not count toward it. Last evaluated 2016-10-18.

Conditions:
Breast-ovarian cancer, familial, susceptibility to, 2 (BROVCA2). Also called: BRCA2 Hereditary Breast and Ovarian Cancer. Identifiers: Orphanet 145, MedGen C2675520, MONDO:0012933, OMIM 612555. Disease mechanism: loss of function.
Hereditary breast ovarian cancer syndrome. Also called: BRCA1- and BRCA2-Associated Hereditary Breast and Ovarian Cancer; Hereditary breast and ovarian cancer; Breast and ovarian cancer; Hereditary breast and/or ovarian cancer syndrome; Hereditary breast and ovarian cancer syndrome; Hereditary breast and ovarian cancer syndrome (HBOC). Identifiers: Orphanet 145, MedGen C0677776, MeSH D061325, MONDO:0003582. Disease mechanism: loss of function.
Hereditary cancer-predisposing syndrome. Also called: Hereditary neoplastic syndrome; Neoplastic Syndromes, Hereditary; Tumor predisposition; Hereditary Cancer Syndrome. Identifiers: Orphanet 140162, MedGen C0027672, MeSH D009386, MONDO:0015356.

Submissions (5):

Evidence-based Network for the Interpretation of Germline Mutant Alleles (ENIGMA)
Classification: Pathogenic for Breast-ovarian cancer, familial, susceptibility to, 2. Last evaluated: 2016-10-18. Review status: reviewed by expert panel. Criteria: ENIGMA BRCA1/2 Classification Criteria (2015). Collection method: curation. Allele origin: germline.
Comment: Variant allele predicted to encode a truncated non-functional protein.

Ambry Genetics
Classification: Pathogenic for Hereditary cancer-predisposing syndrome. Last evaluated: 2025-06-27. Review status: criteria provided, single submitter. Criteria: Ambry Variant Classification Scheme 2023. Collection method: clinical testing. Allele origin: germline. Not counted in ClinVar's aggregate classification.
Comment: The c.6304_6305delGT pathogenic mutation, located in coding exon 10 of the BRCA2 gene, results from a deletion of two nucleotides at nucleotide positions 6304 to 6305, causing a translational frameshift with a predicted alternate stop codon (p.V2102Ifs*8). This variant is considered to be rare based on population cohorts in the Genome Aggregation Database (gnomAD). This alteration is expected to result in loss of function by premature protein truncation or nonsense-mediated mRNA decay. As such, this alteration is interpreted as a disease-causing mutation.

Labcorp Genetics (formerly Invitae), Labcorp
Classification: Pathogenic for Hereditary breast ovarian cancer syndrome. Last evaluated: 2025-04-24. Review status: criteria provided, single submitter. Criteria: Invitae Variant Classification Sherloc (09022015). Collection method: clinical testing. Allele origin: germline. Not counted in ClinVar's aggregate classification.
Comment: This sequence change creates a premature translational stop signal (p.Val2102Ilefs*8) in the BRCA2 gene. It is expected to result in an absent or disrupted protein product. Loss-of-function variants in BRCA2 are known to be pathogenic (PMID: 20104584). This variant is not present in population databases (gnomAD no frequency). This premature translational stop signal has been observed in individual(s) with clinical features of BRCA2-related conditions (PMID: 29446198). ClinVar contains an entry for this variant (Variation ID: 266937). For these reasons, this variant has been classified as Pathogenic.

Color Diagnostics, LLC DBA Color Health
Classification: Pathogenic for Hereditary cancer-predisposing syndrome. Last evaluated: 2024-07-08. Review status: criteria provided, single submitter. Criteria: ACMG Guidelines, 2015. Collection method: clinical testing. Allele origin: germline. Not counted in ClinVar's aggregate classification.
Comment: This variant deletes 2 nucleotides in exon 11 of the BRCA2 gene, creating a frameshift and premature translation stop signal. This variant is expected to result in an absent or non-functional protein product. This variant has been reported in one suspected hereditary breast and ovarian cancer family (PMID: 29446198). This variant has not been identified in the general population by the Genome Aggregation Database (gnomAD). Loss of BRCA2 function is a known mechanism of disease. Based on the available evidence, this variant is classified as Pathogenic.

Consortium of Investigators of Modifiers of BRCA1/2 (CIMBA), c/o University of Cambridge
Classification: Pathogenic for Breast-ovarian cancer, familial, susceptibility to, 2. Last evaluated: 2015-10-02. Review status: criteria provided, single submitter. Criteria: CIMBA Mutation Classification guidelines May 2016. Collection method: clinical testing. Allele origin: germline. Not counted in ClinVar's aggregate classification.

Literature cited by the submitters: PubMed 20104584 (cited by Labcorp Genetics (formerly Invitae), Labcorp); PubMed 29446198 (cited by Labcorp Genetics (formerly Invitae), Labcorp and Color Diagnostics, LLC DBA Color Health).

NM_000059.4(BRCA2):c.6304_6305del (p.Val2102fs)

Gene: BRCA2 (BRCA2 DNA repair associated; plus strand). Cytogenetic location: 13q13.1.
Variant type: Deletion.
Coding change: c.6304_6305del on transcript NM_000059.4 (MANE Select); coding-DNA positions 6304 to 6305, 2 bases deleted (GT; older notation c.6304_6305delGT).
Protein change: p.Val2102fs; shifts the reading frame from valine 2102.
Molecular consequence: frameshift variant.
Genome position (GRCh38, 1-based): chr13:32,340,659-32,340,660, GT deleted; deleting any 2 consecutive bases within chr13:32,340,658-32,340,660 gives the same sequence; the c. name uses the placement nearest the transcript's 3' end. VCF-style (leftmost placement, unchanged base first): chr13-32340657-ATG-A. GRCh37 (hg19) VCF-style: chr13-32914794-ATG-A.
Other names: 6532_6533delGT; c.6304_6305delGT (NM_000059.3); short protein forms V2102fs.
Identifiers: ClinVar variation 266937 (VCV000266937.19), dbSNP rs886040648, ClinGen allele CA10589367.